The following is an entry in ClinVar:

NM_006904.7(PRKDC):c.8116G>C (p.Gly2706Arg)

Gene: PRKDC (protein kinase, DNA-activated, catalytic subunit; minus strand). Cytogenetic location: 8q11.21.
Variant type: single nucleotide variant.
Coding change: c.8116G>C on transcript NM_006904.7 (MANE Select); coding-DNA position 8116, G replaced by C.
Protein change: p.Gly2706Arg; replaces glycine 2706 with arginine.
Molecular consequence: missense variant.
Genome position (GRCh38, 1-based): chr8:47,834,232, C>G on the plus strand (G>C on the coding strand, the complement: PRKDC is on the minus strand). VCF-style: chr8-47834232-C-G. GRCh37 (hg19) VCF-style: chr8-48746793-C-G.
Other names: c.8116G>C, p.Gly2706Arg (NM_001081640.2); short protein forms G2706R.
Identifiers: ClinVar variation 4694686 (VCV004694686.1).
Genomic context (GRCh38, chr8:47,834,232, plus strand): 5'-AGCACACTCAGCAACCCAGCTTACCTTTCACTTTGTTATCCACCTCGTCCCCTGGAAGGC[C>G]CAGCCTTTTTTTCCCAAAATCAGGCCCCACTGACTTCAAGGGTGCTCTCTGTAACCTTTC-3'
Protein context (NP_008835.5, residues 2696-2716): VGPDFGKKRL[Gly2706Arg]LPGDEVDNKV

ClinVar aggregate classification (germline): Uncertain significance (1 of 4 stars; one submission).

Conditions:
Severe combined immunodeficiency due to DNA-PKcs deficiency. Also called: IMMUNODEFICIENCY 26 WITH NEUROLOGIC ABNORMALITIES; Immunodeficiency 26 with or without neurologic abnormalities. Identifiers: Orphanet 317425, MedGen C4014833, MONDO:0014423, OMIM 615966.

gnomAD v4.1: 3 of 1,614,030 alleles (0.00019%); highest among the groups gnomAD compares: African/African-American, 0.0013%; no homozygotes.

Submission:

Labcorp Genetics (formerly Invitae), Labcorp
Classification: Uncertain significance for Severe combined immunodeficiency due to DNA-PKcs deficiency. Last evaluated: 2025-10-29. Review status: criteria provided, single submitter. Criteria: Invitae Variant Classification Sherloc (09022015). Collection method: clinical testing. Allele origin: germline.
Comment: This sequence change replaces glycine, which is neutral and non-polar, with arginine, which is basic and polar, at codon 2706 of the PRKDC protein (p.Gly2706Arg). This variant is not present in population databases (gnomAD no frequency). This variant has not been reported in the literature in individuals affected with PRKDC-related conditions. Invitae Evidence Modeling of protein sequence and biophysical properties (such as structural, functional, and spatial information, amino acid conservation, physicochemical variation, residue mobility, and thermodynamic stability) indicates that this missense variant is not expected to disrupt PRKDC protein function with a negative predictive value of 80%. In summary, the available evidence is currently insufficient to determine the role of this variant in disease. Therefore, it has been classified as a Variant of Uncertain Significance.